The following is an entry in ClinVar:

NM_004329.3(BMPR1A):c.427A>G (p.Ile143Val)

Gene: BMPR1A (bone morphogenetic protein receptor type 1A; plus strand). Cytogenetic location: 10q23.2.
Variant type: single nucleotide variant.
Coding change: c.427A>G on transcript NM_004329.3 (MANE Select); coding-DNA position 427, A replaced by G.
Protein change: p.Ile143Val; replaces isoleucine 143 with valine.
Molecular consequence: missense variant.
Genome position (GRCh38, 1-based): chr10:86,899,887, A>G. VCF-style: chr10-86899887-A-G. GRCh37 (hg19) VCF-style: chr10-88659644-A-G.
Other names: short protein forms I143V.
Identifiers: ClinVar variation 482873 (VCV000482873.15), dbSNP rs760739609, ClinGen allele CA377449890.
Genomic context (GRCh38, chr10:86,899,887, plus strand): 5'-GAATGTTGTCGGACCAATTTATGTAACCAGTATTTGCAACCCACACTGCCCCCTGTTGTC[A>G]TAGGTAGGTTAGCCGAGAAAAGTCGGAGCATGCTTCTCAAATATCTTCTCTGGTTTTACA-3'
Protein context (NP_004320.2, residues 133-153): YLQPTLPPVV[Ile143Val]GPFFDGSIRW

ClinVar aggregate classification (germline): Conflicting classifications of pathogenicity. Review status: criteria provided, conflicting classifications (1 of 4 stars). 2 submissions from 2 submitters: Uncertain significance (1); Likely benign (1). Last evaluated 2025-10-26.

Conditions:
Juvenile polyposis syndrome (JPS). Identifiers: Orphanet 2929, MedGen C0345893, MONDO:0017380, OMIM 174900.
Hereditary cancer-predisposing syndrome. Also called: Hereditary neoplastic syndrome; Neoplastic Syndromes, Hereditary; Tumor predisposition; Hereditary Cancer Syndrome. Identifiers: Orphanet 140162, MedGen C0027672, MeSH D009386, MONDO:0015356.

Allele frequency attached by ClinVar (database versions not stated): gnomAD 0.00001; TOPMed 0.00001.
gnomAD v4.1: 3 of 1,613,906 alleles (0.00019%); highest among the groups gnomAD compares: Non-Finnish European, 0.00025%; no homozygotes.

Submissions (2):

Labcorp Genetics (formerly Invitae), Labcorp
Classification: Uncertain significance for Juvenile polyposis syndrome. Last evaluated: 2025-10-26. Review status: criteria provided, single submitter. Criteria: Invitae Variant Classification Sherloc (09022015). Collection method: clinical testing. Allele origin: germline.
Comment: This sequence change replaces isoleucine, which is neutral and non-polar, with valine, which is neutral and non-polar, at codon 143 of the BMPR1A protein (p.Ile143Val). This variant is present in population databases (no rsID available, gnomAD 0.007%). This variant has not been reported in the literature in individuals affected with BMPR1A-related conditions. ClinVar contains an entry for this variant (Variation ID: 482873). An algorithm developed to predict the effect of missense changes on protein structure and function outputs the following: PolyPhen-2: "Benign". The valine amino acid residue is found in multiple mammalian species, which suggests that this missense change does not adversely affect protein function. In summary, the available evidence is currently insufficient to determine the role of this variant in disease. Therefore, it has been classified as a Variant of Uncertain Significance.

Ambry Genetics
Classification: Likely benign for Hereditary cancer-predisposing syndrome. Last evaluated: 2024-10-09. Review status: criteria provided, single submitter. Criteria: Ambry Variant Classification Scheme 2023. Collection method: clinical testing. Allele origin: germline.